The following is an entry in ClinVar:

NM_030665.4(RAI1):c.3774G>T (p.Gly1258=)

Gene: RAI1 (retinoic acid induced 1; plus strand). Cytogenetic location: 17p11.2.
Variant type: single nucleotide variant.
Coding change: c.3774G>T on transcript NM_030665.4 (MANE Select); coding-DNA position 3774, G replaced by T.
Protein change: p.Gly1258=; no amino-acid change (glycine 1258 retained).
Molecular consequence: synonymous variant.
Genome position (GRCh38, 1-based): chr17:17,796,722, G>T. VCF-style: chr17-17796722-G-T. GRCh37 (hg19) VCF-style: chr17-17700036-G-T.
Other names: c.3774G>T (NM_030665.3).
Identifiers: ClinVar variation 2790299 (VCV002790299.5), dbSNP rs2143002783, ClinGen allele CA498424745.

ClinVar aggregate classification (germline): Likely benign. Review status: criteria provided, single submitter (1 of 4 stars). 2 submissions from 2 submitters: Likely benign (1). 1 of the submissions does not count toward it. Last evaluated 2023-12-12.

Conditions:
RAI1-related disorder. Also called: RAI1-related condition.

Submissions (2):

Labcorp Genetics (formerly Invitae), Labcorp
Classification: Likely benign. Last evaluated: 2023-12-12. Review status: criteria provided, single submitter. Criteria: Invitae Variant Classification Sherloc (09022015). Collection method: clinical testing. Allele origin: germline.

PreventionGenetics, part of Exact Sciences
Classification: Likely benign for RAI1-related condition. Last evaluated: 2023-10-11. Review status: no assertion criteria provided. Collection method: clinical testing. Allele origin: germline. Not counted in ClinVar's aggregate classification.
Comment: This variant is classified as likely benign based on ACMG/AMP sequence variant interpretation guidelines (Richards et al. 2015 PMID: 25741868, with internal and published modifications).